The following is an entry in ClinVar:

NM_000038.6(APC):c.7052C>A (p.Pro2351His)

Gene: APC (APC regulator of Wnt signaling pathway; plus strand). Cytogenetic location: 5q22.2.
Variant type: single nucleotide variant.
Coding change: c.7052C>A on transcript NM_000038.6 (MANE Select); coding-DNA position 7052, C replaced by A.
Protein change: p.Pro2351His; replaces proline 2351 with histidine.
Molecular consequence: missense variant.
Genome position (GRCh38, 1-based): chr5:112,842,646, C>A. VCF-style: chr5-112842646-C-A. GRCh37 (hg19) VCF-style: chr5-112178343-C-A.
Other names: c.7052C>A, p.Pro2351His (NM_001127510.3, NM_001354895.2); c.6998C>A, p.Pro2333His (NM_001127511.3); c.7106C>A, p.Pro2369His (NM_001354896.2); c.7082C>A, p.Pro2361His (NM_001354897.2); c.6977C>A, p.Pro2326His (NM_001354898.2); c.6968C>A, p.Pro2323His (NM_001354899.2); c.6929C>A, p.Pro2310His (NM_001354900.2); c.6875C>A, p.Pro2292His (NM_001354901.2); and 5 more; short protein forms P2260H, P2292H, P2326H, P2191H, P2351H, P2369H, P2225H, P2323H.
Identifiers: ClinVar variation 1421640 (VCV001421640.8), dbSNP rs1554087955, ClinGen allele CA16036698.

ClinVar aggregate classification (germline): Uncertain significance (1 of 4 stars; one submission).

Conditions:
Familial adenomatous polyposis 1 (FAP1). Also called: POLYPOSIS, ADENOMATOUS INTESTINAL; FAMILIAL ADENOMATOUS POLYPOSIS 1, ATTENUATED. Identifiers: MedGen C2713442, MONDO:0021056, OMIM 175100. Disease mechanism: loss of function.

Submission:

Labcorp Genetics (formerly Invitae), Labcorp
Classification: Uncertain significance for Familial adenomatous polyposis 1. Last evaluated: 2021-06-10. Review status: criteria provided, single submitter. Criteria: Invitae Variant Classification Sherloc (09022015). Collection method: clinical testing. Allele origin: germline.
Comment: This variant has not been reported in the literature in individuals with APC-related conditions. In summary, the available evidence is currently insufficient to determine the role of this variant in disease. Therefore, it has been classified as a Variant of Uncertain Significance. Algorithms developed to predict the effect of missense changes on protein structure and function are either unavailable or do not agree on the potential impact of this missense change (SIFT: "Deleterious"; PolyPhen-2: "Probably Damaging"; Align-GVGD: "Class C0"). This variant is not present in population databases (ExAC no frequency). This sequence change replaces proline with histidine at codon 2351 of the APC protein (p.Pro2351His). The proline residue is highly conserved and there is a moderate physicochemical difference between proline and histidine.